The following is an entry in ClinVar:

ClinVar aggregate classification (germline): Uncertain significance (1 of 4 stars; one submission).

Submission:

CeGaT Center for Human Genetics Tuebingen
Classification: Uncertain significance. Last evaluated: 2025-12-01. Review status: criteria provided, single submitter. Criteria: CeGaT Center For Human Genetics Tuebingen Variant Classification Criteria Version 2. Collection method: clinical testing. Allele origin: germline. Affected: yes. Observed: 1 variant allele.
Comment: ABCC6: PM2, BP4

NM_001171.6(ABCC6):c.2666+7C>T

Gene: ABCC6 (ATP binding cassette subfamily C member 6; minus strand). Cytogenetic location: 16p13.11.
Variant type: single nucleotide variant.
Coding change: c.2666+7C>T on transcript NM_001171.6 (MANE Select); 7 bases into the intron after coding-DNA position 2666, C replaced by T.
Molecular consequence: intron variant.
Genome position (GRCh38, 1-based): chr16:16,175,904, G>A on the plus strand (C>T on the coding strand, the complement: ABCC6 is on the minus strand). VCF-style: chr16-16175904-G-A. GRCh37 (hg19) VCF-style: chr16-16269761-G-A.
Other names: c.2498+7C>T (NM_001440310.1); c.2633+7C>T (NM_001440309.1); c.2324+7C>T (NM_001351800.1).
Identifiers: ClinVar variation 4681570 (VCV004681570.5).
Genomic context (GRCh38, chr16:16,175,904, plus strand): 5'-GGTGGTCCCTTCAGCTACTTCAGCTTCAGCCTGTGCCCTTCTGAGTGTGGCACCATGGTG[G>A]ACTCACCTCTCGCGTCTAAGCTCGGGCCTCCTGCCTGCAGAGGTGCCTCTGGGGTCCTTG-3'